The following is an entry in ClinVar:

NM_000399.5(EGR2):c.719G>T (p.Gly240Val)

Gene: EGR2 (early growth response 2; minus strand). Cytogenetic location: 10q21.3.
Variant type: single nucleotide variant.
Coding change: c.719G>T on transcript NM_000399.5 (MANE Select); coding-DNA position 719, G replaced by T.
Protein change: p.Gly240Val; replaces glycine 240 with valine.
Molecular consequence: missense variant.
Genome position (GRCh38, 1-based): chr10:62,813,919, C>A on the plus strand (G>T on the coding strand, the complement: EGR2 is on the minus strand). VCF-style: chr10-62813919-C-A. GRCh37 (hg19) VCF-style: chr10-64573679-C-A.
Other names: c.719G>T, p.Gly240Val (NM_001136177.3, NM_001136178.2); c.569G>T, p.Gly190Val (NM_001136179.3, NM_001321037.2); short protein forms G240V, G190V.
Identifiers: ClinVar variation 960925 (VCV000960925.11), dbSNP rs775326892, ClinGen allele CA5517239.
Genomic context (GRCh38, chr10:62,813,919, plus strand): 5'-GGGGGCACCCGCAGGGTGTCCAGTGGGCAGGGAAAGGGCTTACGGTCTGGGCCAGCTGTA[C>A]CATGTAGGTCTCTCTGGCACTGAGATGGAAAGAATCCAGGATAGTCTGGGATCATTGGGA-3'
Protein context (NP_000390.2, residues 230-250): FPSQCQRDLH[Gly240Val]TAGPDRKPFP

ClinVar aggregate classification (germline): Uncertain significance. Review status: criteria provided, multiple submitters, no conflicts (2 of 4 stars). 2 submissions from 2 submitters: Uncertain significance (2). Last evaluated 2024-11-08.

Conditions:
Charcot-Marie-Tooth disease, type I (CMT1). Also called: Charcot-Marie-Tooth, Type 1; Charcot-Marie-Tooth disease type 1. Identifiers: Orphanet 65753, MedGen C0751036, MONDO:0019011.

Allele frequency attached by ClinVar (database versions not stated): gnomAD exomes 0.00002 and 0.00006; ExAC 0.00004; gnomAD 0.00004; TOPMed 0.00004.
gnomAD v4.1: 35 of 1,613,984 alleles (0.0022%); highest among the groups gnomAD compares: Admixed American, 0.023%; no homozygotes.

Submissions (2):

Labcorp Genetics (formerly Invitae), Labcorp
Classification: Uncertain significance for Charcot-Marie-Tooth disease, type I. Last evaluated: 2024-11-08. Review status: criteria provided, single submitter. Criteria: Invitae Variant Classification Sherloc (09022015). Collection method: clinical testing. Allele origin: germline.
Comment: This sequence change replaces glycine, which is neutral and non-polar, with valine, which is neutral and non-polar, at codon 240 of the EGR2 protein (p.Gly240Val). This variant is present in population databases (rs775326892, gnomAD 0.07%). This variant has not been reported in the literature in individuals affected with EGR2-related conditions. ClinVar contains an entry for this variant (Variation ID: 960925). Invitae Evidence Modeling of protein sequence and biophysical properties (such as structural, functional, and spatial information, amino acid conservation, physicochemical variation, residue mobility, and thermodynamic stability) indicates that this missense variant is not expected to disrupt EGR2 protein function with a negative predictive value of 80%. In summary, the available evidence is currently insufficient to determine the role of this variant in disease. Therefore, it has been classified as a Variant of Uncertain Significance.

Blueprint Genetics
Classification: Uncertain significance. Last evaluated: 2021-03-05. Review status: criteria provided, single submitter. Criteria: ACMG Guidelines, 2015. Collection method: clinical testing. Allele origin: germline.